The following is an entry in ClinVar:

ClinVar aggregate classification (germline): Conflicting classifications of pathogenicity. Review status: criteria provided, conflicting classifications (1 of 4 stars). 3 submissions from 3 submitters: Pathogenic (1); Likely pathogenic (1); Uncertain significance (1). Last evaluated 2023-12-04.

Conditions:
Inborn genetic diseases. Identifiers: MedGen C0950123, MeSH D030342.
Acyl-CoA dehydrogenase 9 deficiency. Also called: Acyl-CoA dehydrogenase family, member 9, deficiency of; MITOCHONDRIAL COMPLEX I DEFICIENCY, NUCLEAR TYPE 20. Identifiers: Orphanet 99901, MedGen C4747517, MONDO:0012624, OMIM 611126.

Allele frequency attached by ClinVar (database versions not stated): ExAC 0.00001; gnomAD exomes 0.00001.

Submissions (3):

Baylor Genetics
Classification: Likely pathogenic for Acyl-CoA dehydrogenase 9 deficiency. Last evaluated: 2023-12-04. Review status: criteria provided, single submitter. Criteria: ACMG Guidelines, 2015. Collection method: clinical testing. Allele origin: unknown.

Ambry Genetics
Classification: Uncertain significance for Inborn genetic diseases. Last evaluated: 2021-10-01. Review status: criteria provided, single submitter. Criteria: Ambry Variant Classification Scheme 2023. Collection method: clinical testing. Allele origin: germline.
Comment: Not expected to trigger nonsense-mediated mRNA decay Based on insufficient or conflicting evidence, the clinical significance of this alteration remains unclear.

Labcorp Genetics (formerly Invitae), Labcorp
Classification: Pathogenic. Last evaluated: 2020-01-08. Review status: criteria provided, single submitter. Criteria: Invitae Variant Classification Sherloc (09022015). Collection method: clinical testing. Allele origin: germline.
Comment: For these reasons, this variant has been classified as Pathogenic. This variant disrupts the C-terminus of the ACAD9 protein. Other variant that disrupt this region (p.Leu558Profs*45) has been determined to be pathogenic (PMID: 27233227). This suggests that variants that disrupt this region of the protein are likely to be causative of disease. Algorithms developed to predict the effect of sequence changes on RNA splicing suggest that this variant may create or strengthen a splice site, but this prediction has not been confirmed by published transcriptional studies. This variant has not been reported in the literature in individuals with ACAD9-related conditions. The frequency data for this variant in the population databases is considered unreliable, as metrics indicate poor data quality at this position in the ExAC database. This sequence change results in a premature translational stop signal in the ACAD9 gene (p.Ile554Valfs*49). While this is not anticipated to result in nonsense mediated decay, it is expected to disrupt the last 68 amino acids of the ACAD9 protein.

Literature cited by the submitters: PubMed 27233227 (cited by Labcorp Genetics (formerly Invitae), Labcorp).

NM_014049.5(ACAD9):c.1641_1659dup (p.Ile554fs)

Genes: ACAD9 (acyl-CoA dehydrogenase family member 9; plus strand), CFAP92 (cilia and flagella associated protein 92 (putative); minus strand). Cytogenetic location: 3q21.3.
Variant type: Duplication.
Coding change: c.1641_1659dup on transcript NM_014049.5 (MANE Select); coding-DNA positions 1641 to 1659, 19 bases duplicated (GTCGCGGGCCAGCCGCTCC).
Protein change: p.Ile554fs; shifts the reading frame from isoleucine 554.
Molecular consequence: frameshift variant. On other transcripts: non-coding transcript variant (1), 3 prime UTR variant (3).
Genome position (GRCh38, 1-based): chr3:128,910,098-128,910,116, GTCGCGGGCCAGCCGCTCC duplicated. VCF-style (leftmost placement, unchanged base first): chr3-128910097-T-TGTCGCGGGCCAGCCGCTCC. GRCh37 (hg19) VCF-style: chr3-128628940-T-TGTCGCGGGCCAGCCGCTCC.
Other names: c.1272_1290dup, p.Ile431fs (NM_001410805.1); c.*183_*201dup (NM_001348520.2, NM_001348521.2, NM_001394090.1); short protein forms I554fs, I431fs.
Identifiers: ClinVar variation 1069233 (VCV001069233.13), dbSNP rs755346624, ClinGen allele CA2601630.